The following is an entry in ClinVar:

ClinVar aggregate classification (germline): Uncertain significance (1 of 4 stars; one submission).

Allele frequency attached by ClinVar (database versions not stated): gnomAD exomes below 0.00001 and 0.00001; ExAC 0.00001; TOPMed 0.00001.
gnomAD v4.1: 12 of 1,612,838 alleles (0.00074%); highest among the groups gnomAD compares: Non-Finnish European, 0.001%; no homozygotes.

Submission:

Labcorp Genetics (formerly Invitae), Labcorp
Classification: Uncertain significance. Last evaluated: 2021-08-26. Review status: criteria provided, single submitter. Criteria: Invitae Variant Classification Sherloc (09022015). Collection method: clinical testing. Allele origin: germline.
Comment: This variant has not been reported in the literature in individuals affected with MYO18B-related conditions. In summary, the available evidence is currently insufficient to determine the role of this variant in disease. Therefore, it has been classified as a Variant of Uncertain Significance. Algorithms developed to predict the effect of missense changes on protein structure and function are either unavailable or do not agree on the potential impact of this missense change (SIFT: "Not Available"; PolyPhen-2: "Probably Damaging"; Align-GVGD: "Not Available"). This variant is present in population databases (rs761679103, ExAC 0.002%). This sequence change replaces glycine with cysteine at codon 663 of the MYO18B protein (p.Gly663Cys). The glycine residue is highly conserved and there is a large physicochemical difference between glycine and cysteine.

NM_032608.7(MYO18B):c.1987G>T (p.Gly663Cys)

Gene: MYO18B (myosin XVIIIB; plus strand). Cytogenetic location: 22q12.1.
Variant type: single nucleotide variant.
Coding change: c.1987G>T on transcript NM_032608.7 (MANE Select); coding-DNA position 1987, G replaced by T.
Protein change: p.Gly663Cys; replaces glycine 663 with cysteine.
Molecular consequence: missense variant.
Genome position (GRCh38, 1-based): chr22:25,777,700, G>T. VCF-style: chr22-25777700-G-T. GRCh37 (hg19) VCF-style: chr22-26173667-G-T.
Other names: c.1987G>T, p.Gly663Cys (NM_001318245.2); short protein forms G663C.
Identifiers: ClinVar variation 1374413 (VCV001374413.6), dbSNP rs761679103, ClinGen allele CA10160023.